The following is an entry in ClinVar:

NM_006231.4(POLE):c.6361C>G (p.Gln2121Glu)

Gene: POLE (DNA polymerase epsilon, catalytic subunit; minus strand). Cytogenetic location: 12q24.33.
Variant type: single nucleotide variant.
Coding change: c.6361C>G on transcript NM_006231.4 (MANE Select); coding-DNA position 6361, C replaced by G.
Protein change: p.Gln2121Glu; replaces glutamine 2121 with glutamic acid.
Molecular consequence: missense variant.
Genome position (GRCh38, 1-based): chr12:132,626,287, G>C on the plus strand (C>G on the coding strand, the complement: POLE is on the minus strand). VCF-style: chr12-132626287-G-C. GRCh37 (hg19) VCF-style: chr12-133202873-G-C.
Other names: c.6361C>G (NM_006231.2); short protein forms Q2121E.
Identifiers: ClinVar variation 540721 (VCV000540721.11), dbSNP rs1555301259, ClinGen allele CA387367822.
Genomic context (GRCh38, chr12:132,626,287, plus strand): 5'-CCTCGGAGAACTCGCCGACATCCACCAGGCGAAGCAGGTCTCGGTTCAGCTTATTCACCT[G>C]GTTTGTGATGTTGGTGTCCAGGGACAGCACCTGCAGAGACCACAGCCCACATCGGGAAGG-3'
Protein context (NP_006222.2, residues 2111-2131): VLSLDTNITN[Gln2121Glu]VNKLNRDLLR

ClinVar aggregate classification (germline): Uncertain significance. Review status: criteria provided, multiple submitters, no conflicts (2 of 4 stars). 2 submissions from 2 submitters: Uncertain significance (2). Last evaluated 2025-12-17.

Conditions:
Hereditary cancer-predisposing syndrome. Also called: Neoplastic Syndromes, Hereditary; Hereditary Cancer Syndrome; Hereditary neoplastic syndrome; Tumor predisposition. Identifiers: Orphanet 140162, MedGen C0027672, MeSH D009386, MONDO:0015356.

Allele frequency attached by ClinVar (database versions not stated): gnomAD 0.00001.
gnomAD v4.1: 2 of 1,613,694 alleles (0.00012%); highest among the groups gnomAD compares: Admixed American, 0.0017%; no homozygotes.

Submissions (2):

Labcorp Genetics (formerly Invitae), Labcorp
Classification: Uncertain significance. Last evaluated: 2025-12-17. Review status: criteria provided, single submitter. Criteria: Invitae Variant Classification Sherloc (09022015). Collection method: clinical testing. Allele origin: germline.
Comment: This sequence change replaces glutamine, which is neutral and polar, with glutamic acid, which is acidic and polar, at codon 2121 of the POLE protein (p.Gln2121Glu). This variant is not present in population databases (gnomAD no frequency). This variant has not been reported in the literature in individuals affected with POLE-related conditions. ClinVar contains an entry for this variant (Variation ID: 540721). Invitae Evidence Modeling of protein sequence and biophysical properties (such as structural, functional, and spatial information, amino acid conservation, physicochemical variation, residue mobility, and thermodynamic stability) indicates that this missense variant is not expected to disrupt POLE protein function with a negative predictive value of 80%. In summary, the available evidence is currently insufficient to determine the role of this variant in disease. Therefore, it has been classified as a Variant of Uncertain Significance.

Ambry Genetics
Classification: Uncertain significance for Hereditary cancer-predisposing syndrome. Last evaluated: 2025-03-20. Review status: criteria provided, single submitter. Criteria: Ambry Variant Classification Scheme 2023. Collection method: clinical testing. Allele origin: germline.
Comment: The p.Q2121E variant (also known as c.6361C>G), located in coding exon 46 of the POLE gene, results from a C to G substitution at nucleotide position 6361. The glutamine at codon 2121 is replaced by glutamic acid, an amino acid with highly similar properties. This amino acid position is highly conserved in available vertebrate species. In addition, the in silico prediction for this alteration is inconclusive. Based on the available evidence, the clinical significance of this variant remains unclear.